The following is an entry in ClinVar:

NM_002972.4(SBF1):c.4752C>T (p.Asp1584=)

Gene: SBF1 (SET binding factor 1; minus strand). Cytogenetic location: 22q13.33.
Variant type: single nucleotide variant.
Coding change: c.4752C>T on transcript NM_002972.4 (MANE Select); coding-DNA position 4752, C replaced by T.
Protein change: p.Asp1584=; no amino-acid change (aspartic acid 1584 retained).
Molecular consequence: synonymous variant.
Genome position (GRCh38, 1-based): chr22:50,454,874, G>A on the plus strand (C>T on the coding strand, the complement: SBF1 is on the minus strand). VCF-style: chr22-50454874-G-A. GRCh37 (hg19) VCF-style: chr22-50893303-G-A.
Other names: c.4677C>T, p.Asp1559= (NM_001365819.1); c.4755C>T, p.Asp1585= (NM_001410794.1); c.4674C>T, p.Asp1558= (NM_001410795.1); c.4752C>T, p.Asp1584= (NM_197971.1).
Identifiers: ClinVar variation 2653389 (VCV002653389.27), dbSNP rs762770332, ClinGen allele CA10316139.

ClinVar aggregate classification (germline): Likely benign. Review status: criteria provided, multiple submitters, no conflicts (2 of 4 stars). 2 submissions from 2 submitters: Likely benign (2). Last evaluated 2023-06-05.

Allele frequency attached by ClinVar (database versions not stated): gnomAD 0.00001; gnomAD exomes 0.00001; ExAC 0.00002; TOPMed 0.00003.
gnomAD v4.1: 13 of 1,613,956 alleles (0.00081%); highest among the groups gnomAD compares: Middle Eastern, 0.016%; no homozygotes.

Submissions (2):

Labcorp Genetics (formerly Invitae), Labcorp
Classification: Likely benign. Last evaluated: 2023-06-05. Review status: criteria provided, single submitter. Criteria: Invitae Variant Classification Sherloc (09022015). Collection method: clinical testing. Allele origin: germline.

CeGaT Center for Human Genetics Tuebingen
Classification: Likely benign. Last evaluated: 2022-05-01. Review status: criteria provided, single submitter. Criteria: CeGaT Center For Human Genetics Tuebingen Variant Classification Criteria Version 2. Collection method: clinical testing. Allele origin: germline. Affected: yes. Observed: 1 variant allele.
Comment: SBF1: BP4, BP7